The following is an entry in ClinVar:

NM_000170.3(GLDC):c.*473C>T

Gene: GLDC (glycine decarboxylase; minus strand). Cytogenetic location: 9p24.1.
Variant type: single nucleotide variant.
Coding change: c.*473C>T on transcript NM_000170.3 (MANE Select); 473 bases downstream of the stop codon, C replaced by T.
Molecular consequence: 3 prime UTR variant.
Genome position (GRCh38, 1-based): chr9:6,532,544, G>A on the plus strand (C>T on the coding strand, the complement: GLDC is on the minus strand). VCF-style: chr9-6532544-G-A. GRCh37 (hg19) VCF-style: chr9-6532544-G-A.
Identifiers: ClinVar variation 367164 (VCV000367164.6), dbSNP rs1061407, ClinGen allele CA10634269.

ClinVar aggregate classification (germline): Benign. Review status: criteria provided, multiple submitters, no conflicts (2 of 4 stars). 2 submissions from 2 submitters: Benign (2). Last evaluated 2018-01-13.

Conditions:
Glycine encephalopathy. Also called: Nonketotic hyperglycinemia; Non-ketotic hyperglycinemia. Identifiers: Orphanet 407, MedGen C0751748, MONDO:0011612, HP:0008288.

Allele frequency attached by ClinVar (database versions not stated): gnomAD exomes 0.62193; gnomAD 0.67774 and 0.68384; TOPMed 0.68139; 1000 Genomes Project 30x 0.75016; 1000 Genomes Project 0.75160.

Submissions (2):

Illumina Laboratory Services, Illumina
Classification: Benign for Glycine encephalopathy 1. Last evaluated: 2018-01-13. Review status: criteria provided, single submitter. Criteria: ICSL Variant Classification Criteria 13 December 2019. Collection method: clinical testing. Allele origin: germline.
Comment: This variant was observed in the ICSL laboratory as part of a predisposition screen in an ostensibly healthy population. It had not been previously curated by ICSL or reported in the Human Gene Mutation Database (HGMD: prior to June 1st, 2018), and was therefore a candidate for classification through an automated scoring system. Utilizing variant allele frequency, disease prevalence and penetrance estimates, and inheritance mode, an automated score was calculated to assess if this variant is too frequent to cause the disease. Based on the score and internal cut-off values, a variant classified as benign is not then subjected to further curation. The score for this variant resulted in a classification of benign for this disease.

Breakthrough Genomics
Classification: Benign. Review status: criteria provided, single submitter. Criteria: ACMG Guidelines, 2015. Collection method: not provided. Allele origin: germline. Inheritance: Autosomal recessive inheritance. Affected: yes.